The following is an entry in ClinVar:

ClinVar aggregate classification (germline): Conflicting classifications of pathogenicity. Review status: criteria provided, conflicting classifications (1 of 4 stars). 2 submissions from 2 submitters: Uncertain significance (1); Likely benign (1). Last evaluated 2024-01-24.

Conditions:
Inborn genetic diseases. Identifiers: MedGen C0950123, MeSH D030342.

Allele frequency attached by ClinVar (database versions not stated): gnomAD exomes below 0.00001; ExAC 0.00001; gnomAD 0.00001; TOPMed 0.00001.
gnomAD v4.1: 9 of 1,614,006 alleles (0.00056%); highest among the groups gnomAD compares: South Asian, 0.0011%; no homozygotes.

Submissions (2):

Ambry Genetics
Classification: Likely benign for Inborn genetic diseases. Last evaluated: 2024-01-24. Review status: criteria provided, single submitter. Criteria: Ambry Variant Classification Scheme 2023. Collection method: clinical testing. Allele origin: germline.

GeneDx
Classification: Uncertain significance. Last evaluated: 2019-04-30. Review status: criteria provided, single submitter. Criteria: GeneDx Variant Classification Process June 2021. Collection method: clinical testing. Allele origin: germline. Affected: yes.
Comment: Not observed at a significant frequency in large population cohorts (Lek et al., 2016); In silico analysis, which includes protein predictors and evolutionary conservation, supports that this variant does not alter protein structure/function; Has not been previously published as pathogenic or benign to our knowledge

NM_007118.4(TRIO):c.8537G>A (p.Ser2846Asn)

Gene: TRIO (trio Rho guanine nucleotide exchange factor; plus strand). Cytogenetic location: 5p15.2.
Variant type: single nucleotide variant.
Coding change: c.8537G>A on transcript NM_007118.4 (MANE Select); coding-DNA position 8537, G replaced by A.
Protein change: p.Ser2846Asn; replaces serine 2846 with asparagine.
Molecular consequence: missense variant. On other transcripts: non-coding transcript variant (1).
Genome position (GRCh38, 1-based): chr5:14,504,518, G>A. VCF-style: chr5-14504518-G-A. GRCh37 (hg19) VCF-style: chr5-14504627-G-A.
Other names: short protein forms S2846N.
Identifiers: ClinVar variation 1202835 (VCV001202835.4), dbSNP rs764963809, ClinGen allele CA3207902.
Genomic context (GRCh38, chr5:14,504,518, plus strand): 5'-TTGTGAACAAGAAGTTGATGAAGCGCGACCAGGTCACCCATGAGCTTGGCATCCTGCAGA[G>A]CCTCCAGCACCCCCTGCTTGTCGGCCTCCTCGACACCTTTGAGACCCCCACCAGCTACAT-3'
Protein context (NP_009049.2, residues 2836-2856): QVTHELGILQ[Ser2846Asn]LQHPLLVGLL